The following is an entry in ClinVar:

ClinVar aggregate classification (germline): Uncertain significance (1 of 4 stars; one submission).

gnomAD v4.1: 28 of 1,613,964 alleles (0.0017%); highest among the groups gnomAD compares: Admixed American, 0.027%; no homozygotes.

Submission:

Labcorp Genetics (formerly Invitae), Labcorp
Classification: Uncertain significance. Last evaluated: 2025-02-13. Review status: criteria provided, single submitter. Criteria: Invitae Variant Classification Sherloc (09022015). Collection method: clinical testing. Allele origin: germline.
Comment: This sequence change replaces alanine, which is neutral and non-polar, with valine, which is neutral and non-polar, at codon 439 of the ADCY10 protein (p.Ala439Val). This variant is present in population databases (rs752239529, gnomAD 0.04%). This variant has not been reported in the literature in individuals affected with ADCY10-related conditions. An algorithm developed to predict the effect of missense changes on protein structure and function (PolyPhen-2) suggests that this variant is likely to be tolerated. In summary, the available evidence is currently insufficient to determine the role of this variant in disease. Therefore, it has been classified as a Variant of Uncertain Significance.

NM_018417.6(ADCY10):c.1316C>T (p.Ala439Val)

Genes: ADCY10 (adenylate cyclase 10; minus strand), DCAF6 (DDB1 and CUL4 associated factor 6; plus strand). Cytogenetic location: 1q24.2.
Variant type: single nucleotide variant.
Coding change: c.1316C>T on transcript NM_018417.6 (MANE Select); coding-DNA position 1316, C replaced by T.
Protein change: p.Ala439Val; replaces alanine 439 with valine.
Molecular consequence: missense variant.
Genome position (GRCh38, 1-based): chr1:167,878,536, G>A on the plus strand (C>T on the coding strand, the complement: ADCY10 is on the minus strand). VCF-style: chr1-167878536-G-A. GRCh37 (hg19) VCF-style: chr1-167847774-G-A.
Other names: c.857C>T, p.Ala286Val (NM_001167749.3); c.1040C>T, p.Ala347Val (NM_001297772.2); short protein forms A347V, A439V, A286V.
Identifiers: ClinVar variation 4747484 (VCV004747484.1).
Genomic context (GRCh38, chr1:167,878,536, plus strand): 5'-AATGGTCCAGAATCTGCAACACCTTTCATAACTTTCTTTGGAAGCTCTTTAAAAAAGTAC[G>A]CTGGTAGGTTGCTCCCATTGTAGGTGACAGAGTCGCAGGTCACAATTCCTGGGTAGTACA-3'
Protein context (NP_060887.2, residues 429-449): SVTYNGSNLP[Ala439Val]YFFKELPKKV